The following is an entry in ClinVar:

NM_000060.4:c.682G>T

Variant type: single nucleotide variant.
Other names: c.682G>T (NM_000060.4).
Identifiers: ClinVar variation 4816037 (VCV004816037.1).

ClinVar aggregate classification (germline): Likely pathogenic (1 of 4 stars; one submission).

Conditions:
Biotinidase deficiency. Also called: BTD deficiency; Late-onset biotin-responsive multiple carboxylase deficiency; Biotin deficiency. Identifiers: Orphanet 79241, MedGen C0220754, MONDO:0009665, OMIM 253260.

Submission:

Natera, Inc.
Classification: Likely pathogenic for Biotinidase deficiency. Last evaluated: 2024-11-15. Review status: criteria provided, single submitter. Criteria: Natera Variant Classification Schema (03/2026). Collection method: clinical testing. Allele origin: germline.
Comment: The c.682G>T variant in BTD is a missense variant predicted to cause substitution of aspartic acid to tyrosine at amino acid 228. This variant is rare in the general population with a frequency below the threshold expected for the associated phenotype(s). This variant has been observed in one or more individuals affected with the associated recessive disease, as either homozygous or compound heterozygous with a second variant (PMID: 9654207, 38299772). Computational prediction algorithms indicate this variant is likely to affect gene or protein function. Given the available evidence, this variant is classified as Likely Pathogenic.

Literature cited by the submitters: PubMed 9654207; PubMed 38299772.